The following is an entry in ClinVar:

ClinVar aggregate classification (germline): Uncertain significance (1 of 4 stars; one submission).

Allele frequency attached by ClinVar (database versions not stated): gnomAD 0.00001; gnomAD exomes 0.00001; TOPMed 0.00001.
gnomAD v4.1: 6 of 1,612,788 alleles (0.00037%); highest among the groups gnomAD compares: Non-Finnish European, 0.00051%; no homozygotes.

Submission:

Labcorp Genetics (formerly Invitae), Labcorp
Classification: Uncertain significance. Last evaluated: 2024-10-22. Review status: criteria provided, single submitter. Criteria: Invitae Variant Classification Sherloc (09022015). Collection method: clinical testing. Allele origin: germline.
Comment: This sequence change replaces alanine, which is neutral and non-polar, with threonine, which is neutral and polar, at codon 2640 of the HERC1 protein (p.Ala2640Thr). This variant is not present in population databases (gnomAD no frequency). This variant has not been reported in the literature in individuals affected with HERC1-related conditions. ClinVar contains an entry for this variant (Variation ID: 2049537). An algorithm developed to predict the effect of missense changes on protein structure and function (PolyPhen-2) suggests that this variant is likely to be disruptive. In summary, the available evidence is currently insufficient to determine the role of this variant in disease. Therefore, it has been classified as a Variant of Uncertain Significance.

NM_003922.4(HERC1):c.7918G>A (p.Ala2640Thr)

Gene: HERC1 (HECT and RLD domain containing E3 ubiquitin protein ligase family member 1; minus strand). Cytogenetic location: 15q22.31.
Variant type: single nucleotide variant.
Coding change: c.7918G>A on transcript NM_003922.4 (MANE Select); coding-DNA position 7918, G replaced by A.
Protein change: p.Ala2640Thr; replaces alanine 2640 with threonine.
Molecular consequence: missense variant.
Genome position (GRCh38, 1-based): chr15:63,672,623, C>T on the plus strand (G>A on the coding strand, the complement: HERC1 is on the minus strand). VCF-style: chr15-63672623-C-T. GRCh37 (hg19) VCF-style: chr15-63964822-C-T.
Other names: short protein forms A2640T.
Identifiers: ClinVar variation 2049537 (VCV002049537.4), dbSNP rs1279651574, ClinGen allele CA392764475.